The following is an entry in ClinVar:

ClinVar aggregate classification (germline): Conflicting classifications of pathogenicity. Review status: criteria provided, conflicting classifications (1 of 4 stars). 4 submissions from 4 submitters: Likely pathogenic (1); Uncertain significance (3). Last evaluated 2024-11-04.

Conditions:
Myopathy, proximal, and ophthalmoplegia (CMYO6). Also called: MYOPATHY WITH CONGENITAL JOINT CONTRACTURES, OPHTHALMOPLEGIA, AND RIMMED VACUOLES; CONGENITAL MYOPATHY 6 WITH OPHTHALMOPLEGIA; INCLUSION BODY MYOPATHY 3, AUTOSOMAL DOMINANT. Identifiers: Orphanet 363677, Orphanet 79091, MedGen C1854106, MONDO:0011577, OMIM 605637.

Allele frequency attached by ClinVar (database versions not stated): gnomAD exomes below 0.00001; gnomAD 0.00002; TOPMed 0.00002.
gnomAD v4.1: 9 of 1,613,970 alleles (0.00056%); highest among the groups gnomAD compares: African/African-American, 0.004%; no homozygotes.

Submissions (4):

GeneDx
Classification: Likely pathogenic. Last evaluated: 2024-11-04. Review status: criteria provided, single submitter. Criteria: GeneDx Variant Classification Process June 2021. Collection method: clinical testing. Allele origin: germline. Affected: yes.
Comment: Not observed at significant frequency in large population cohorts (gnomAD); In silico analysis supports that this missense variant has a deleterious effect on protein structure/function; This variant is associated with the following publications: (PMID: 35982159, 33057194)

Victorian Clinical Genetics Services, Murdoch Childrens Research Institute
Classification: Uncertain significance for Myopathy, proximal, and ophthalmoplegia. Last evaluated: 2024-10-08. Review status: criteria provided, single submitter. Criteria: ACMG Guidelines, 2015. Collection method: clinical testing. Allele origin: germline. Inheritance: Autosomal dominant inheritance. Affected: yes.
Comment: Based on the classification scheme VCGS_Germline_v1.3.4, this variant is classified as VUS-3A. Following criteria are met: 0102 - Loss of function is a known mechanism of disease in this gene and is associated with autosomal recessive proximal myopathy and ophthalmoplegia (MIM#605637). Dominant negative is a suspected mechanism for dominant disease; however, more functional studies are required (PMID: 11114175, 20418530). (I) 0108 - This gene is associated with both recessive and dominant diseases. Variants that result in a premature termination codon have been reported to cause recessive disease, while missense variants have been reported for both dominant and recessive disease (PMID: 20418530). (I) 0200 - Variant is predicted to result in a missense amino acid change from arginine to histidine. (I) 0251 - This variant is heterozygous. (I) 0302 - Variant is present in gnomAD (v3) <0.001 for a dominant condition (3 heterozygotes, 0 homozygotes). (SP) 0501 - Missense variant consistently predicted to be damaging by multiple in silico tools or highly conserved with a major amino acid change. (SP) 0600 - Variant is located in the annotated myosin head domain (DECIPHER). (I) 0705 - No comparable missense variants have previous evidence for pathogenicity. (I) 0808 - Previous reports of pathogenicity for this variant are conflicting. This variant was called likely pathogenic and observed as de novo in an individual with hypotonia and developmental delay, who also had additional features not in keeping with an MYH2-related disorder (GeneDx, personal communication). It was also reported as a VUS in an individual with a suspected neuromuscular disorder (Invitae, personal communication). (I) 0905 - No published segregation evidence has been identified for this variant. (I) 1007 - No published functional evidence has been identified for this variant. (I) 1208 - Inheritance information for this variant is not currently available in this individual. (I) Legend: (SP) - Supporting pathogenic, (I) - Information, (SB) - Supporting benign

Blueprint Genetics
Classification: Uncertain significance. Last evaluated: 2024-09-30. Review status: criteria provided, single submitter. Criteria: ACMG Guidelines, 2015. Collection method: clinical testing. Allele origin: germline.

Labcorp Genetics (formerly Invitae), Labcorp
Classification: Uncertain significance for Myopathy, proximal, and ophthalmoplegia. Last evaluated: 2022-06-27. Review status: criteria provided, single submitter. Criteria: Invitae Variant Classification Sherloc (09022015). Collection method: clinical testing. Allele origin: germline.
Comment: This sequence change replaces arginine, which is basic and polar, with histidine, which is basic and polar, at codon 109 of the MYH2 protein (p.Arg109His). This variant is not present in population databases (gnomAD no frequency). This variant has not been reported in the literature in individuals affected with MYH2-related conditions. ClinVar contains an entry for this variant (Variation ID: 432595). Algorithms developed to predict the effect of missense changes on protein structure and function (SIFT, PolyPhen-2, Align-GVGD) all suggest that this variant is likely to be disruptive. In summary, the available evidence is currently insufficient to determine the role of this variant in disease. Therefore, it has been classified as a Variant of Uncertain Significance.

Literature cited by the submitters: PubMed 11114175 (cited by Victorian Clinical Genetics Services, Murdoch Childrens Research Institute); PubMed 20418530 (cited by Victorian Clinical Genetics Services, Murdoch Childrens Research Institute).

NM_017534.6(MYH2):c.326G>A (p.Arg109His)

Genes: MYH2 (myosin heavy chain 2; minus strand), MYHAS (myosin heavy chain gene cluster antisense RNA; plus strand). Cytogenetic location: 17p13.1.
Variant type: single nucleotide variant.
Coding change: c.326G>A on transcript NM_017534.6 (MANE Select); coding-DNA position 326, G replaced by A.
Protein change: p.Arg109His; replaces arginine 109 with histidine.
Molecular consequence: missense variant.
Genome position (GRCh38, 1-based): chr17:10,547,497, C>T on the plus strand (G>A on the coding strand, the complement: MYH2 is on the minus strand). VCF-style: chr17-10547497-C-T. GRCh37 (hg19) VCF-style: chr17-10450814-C-T.
Other names: c.326G>A, p.Arg109His (NM_001100112.2); short protein forms R109H.
Identifiers: ClinVar variation 432595 (VCV000432595.10), dbSNP rs1468175087, ClinGen allele CA398172402.